The following is an entry in ClinVar:

ClinVar aggregate classification (germline): Benign/Likely benign. Review status: criteria provided, multiple submitters, no conflicts (2 of 4 stars). 4 submissions from 4 submitters: Benign (1); Likely benign (3). Last evaluated 2024-04-15.

Conditions:
Hereditary cancer-predisposing syndrome. Also called: Hereditary Cancer Syndrome; Hereditary neoplastic syndrome; Neoplastic Syndromes, Hereditary; Tumor predisposition. Identifiers: Orphanet 140162, MedGen C0027672, MeSH D009386, MONDO:0015356.
Familial adenomatous polyposis 1 (FAP1). Also called: FAMILIAL ADENOMATOUS POLYPOSIS 1, ATTENUATED; POLYPOSIS, ADENOMATOUS INTESTINAL. Identifiers: MedGen C2713442, MONDO:0021056, OMIM 175100. Disease mechanism: loss of function.

Allele frequency attached by ClinVar (database versions not stated): gnomAD exomes below 0.00001; TOPMed below 0.00001.
gnomAD v4.1: 1 of 1,614,044 alleles (0.000062%); highest among the groups gnomAD compares: Non-Finnish European, 0.000085%; no homozygotes.

Submissions (4):

Myriad Genetics, Inc.
Classification: Benign for Familial adenomatous polyposis 1. Last evaluated: 2024-04-15. Review status: criteria provided, single submitter. Criteria: Myriad Autosomal Dominant, Autosomal Recessive and X-Linked Classification Criteria (2023). Collection method: clinical testing. Allele origin: unknown.
Comment: This variant is considered benign. This variant is a silent/synonymous amino acid change and it is not expected to impact splicing.

Labcorp Genetics (formerly Invitae), Labcorp
Classification: Likely benign for Familial adenomatous polyposis 1. Last evaluated: 2022-08-02. Review status: criteria provided, single submitter. Criteria: Invitae Variant Classification Sherloc (09022015). Collection method: clinical testing. Allele origin: germline.

Ambry Genetics
Classification: Likely benign for Hereditary cancer-predisposing syndrome. Last evaluated: 2017-08-09. Review status: criteria provided, single submitter. Criteria: Ambry Variant Classification Scheme 2023. Collection method: clinical testing. Allele origin: germline.

GeneDx
Classification: Likely benign. Last evaluated: 2016-10-27. Review status: criteria provided, single submitter. Criteria: GeneDx Variant Classification (06012015). Collection method: clinical testing. Allele origin: germline. Affected: yes.
Comment: This variant is considered likely benign or benign based on one or more of the following criteria: it is a conservative change, it occurs at a poorly conserved position in the protein, it is predicted to be benign by multiple in silico algorithms, and/or has population frequency not consistent with disease.

NM_000038.6(APC):c.8277T>C (p.Arg2759=)

Gene: APC (APC regulator of Wnt signaling pathway; plus strand). Cytogenetic location: 5q22.2.
Variant type: single nucleotide variant.
Coding change: c.8277T>C on transcript NM_000038.6 (MANE Select); coding-DNA position 8277, T replaced by C.
Protein change: p.Arg2759=; no amino-acid change (arginine 2759 retained).
Molecular consequence: synonymous variant.
Genome position (GRCh38, 1-based): chr5:112,843,871, T>C. VCF-style: chr5-112843871-T-C. GRCh37 (hg19) VCF-style: chr5-112179568-T-C.
Other names: c.8277T>C, p.Arg2759= (NM_001127510.3, NM_001354895.2); c.8223T>C, p.Arg2741= (NM_001127511.3); c.8331T>C, p.Arg2777= (NM_001354896.2); c.8307T>C, p.Arg2769= (NM_001354897.2); c.8202T>C, p.Arg2734= (NM_001354898.2); c.8193T>C, p.Arg2731= (NM_001354899.2); c.8154T>C, p.Arg2718= (NM_001354900.2); c.8100T>C, p.Arg2700= (NM_001354901.2); and 5 more.
Identifiers: ClinVar variation 390551 (VCV000390551.16), dbSNP rs1057523814, ClinGen allele CA16604809.